The following is an entry in ClinVar:

ClinVar aggregate classification (germline): Uncertain significance. Review status: criteria provided, multiple submitters, no conflicts (2 of 4 stars). 2 submissions from 2 submitters: Uncertain significance (2). Last evaluated 2024-10-11.

Conditions:
Hereditary cancer-predisposing syndrome. Also called: Neoplastic Syndromes, Hereditary; Tumor predisposition; Hereditary Cancer Syndrome; Hereditary neoplastic syndrome. Identifiers: Orphanet 140162, MedGen C0027672, MeSH D009386, MONDO:0015356.
Familial cancer of breast. Also called: BREAST CANCER, FAMILIAL; hereditary breast carcinoma; Hereditary breast cancer. Identifiers: Orphanet 227535, MedGen C0346153, MONDO:0016419, OMIM 114480. Disease mechanism: loss of function.

Allele frequency attached by ClinVar (database versions not stated): gnomAD exomes below 0.00001.
gnomAD v4.1: 2 of 1,595,774 alleles (0.00013%); highest among the groups gnomAD compares: Non-Finnish European, 0.00017%; no homozygotes.

Submissions (2):

Labcorp Genetics (formerly Invitae), Labcorp
Classification: Uncertain significance for Familial cancer of breast. Last evaluated: 2024-10-11. Review status: criteria provided, single submitter. Criteria: Invitae Variant Classification Sherloc (09022015). Collection method: clinical testing. Allele origin: germline.
Comment: This sequence change replaces leucine, which is neutral and non-polar, with phenylalanine, which is neutral and non-polar, at codon 467 of the CHEK2 protein (p.Leu467Phe). This variant is not present in population databases (gnomAD no frequency). This variant has not been reported in the literature in individuals affected with CHEK2-related conditions. ClinVar contains an entry for this variant (Variation ID: 231022). An algorithm developed to predict the effect of missense changes on protein structure and function (PolyPhen-2) suggests that this variant is likely to be disruptive. In summary, the available evidence is currently insufficient to determine the role of this variant in disease. Therefore, it has been classified as a Variant of Uncertain Significance.

Ambry Genetics
Classification: Uncertain significance for Hereditary cancer-predisposing syndrome. Last evaluated: 2024-05-21. Review status: criteria provided, single submitter. Criteria: Ambry Variant Classification Scheme 2023. Collection method: clinical testing. Allele origin: germline.
Comment: The p.L467F variant (also known as c.1401G>C), located in coding exon 12 of the CHEK2 gene, results from a G to C substitution at nucleotide position 1401. The leucine at codon 467 is replaced by phenylalanine, an amino acid with highly similar properties. This amino acid position is highly conserved in available vertebrate species. In addition, this alteration is predicted to be deleterious by in silico analysis. Based on the available evidence, the clinical significance of this variant remains unclear.

NM_007194.4(CHEK2):c.1401G>C (p.Leu467Phe)

Gene: CHEK2 (checkpoint kinase 2; minus strand). Cytogenetic location: 22q12.1.
Variant type: single nucleotide variant.
Coding change: c.1401G>C on transcript NM_007194.4 (MANE Select); coding-DNA position 1401, G replaced by C.
Protein change: p.Leu467Phe; replaces leucine 467 with phenylalanine.
Molecular consequence: missense variant.
Genome position (GRCh38, 1-based): chr22:28,694,092, C>G on the plus strand (G>C on the coding strand, the complement: CHEK2 is on the minus strand). VCF-style: chr22-28694092-C-G. GRCh37 (hg19) VCF-style: chr22-29090080-C-G.
Other names: c.1530G>C, p.Leu510Phe (NM_001005735.3); c.738G>C, p.Leu246Phe (NM_001257387.3); c.1200G>C, p.Leu400Phe (NM_001349956.3); c.1314G>C, p.Leu438Phe (NM_145862.3); short protein forms L467F, L400F, L438F, L510F, L246F.
Identifiers: ClinVar variation 231022 (VCV000231022.13), dbSNP rs876658908, ClinGen allele CA10581029.